The following is an entry in ClinVar:

ClinVar aggregate classification (germline): Uncertain significance. Review status: criteria provided, multiple submitters, no conflicts (2 of 4 stars). 4 submissions from 4 submitters: Uncertain significance (4). Last evaluated 2023-02-02.

Conditions:
Cutis laxa, autosomal recessive, type 1B (ARCL1B). Also called: CUTIS LAXA, AUTOSOMAL RECESSIVE, TYPE IB; EFEMP2-Related Cutis Laxa. Identifiers: Orphanet 90349, MedGen C3280798, MONDO:0013754, OMIM 614437. Disease mechanism: loss of function.
Cardiovascular phenotype. Identifiers: MedGen CN230736.

Allele frequency attached by ClinVar (database versions not stated): ExAC 0.00004; gnomAD 0.00004 and 0.00005; gnomAD exomes 0.00004; TOPMed 0.00006.
gnomAD v4.1: 153 of 1,613,920 alleles (0.0095%); highest among the groups gnomAD compares: Non-Finnish European, 0.012%; no homozygotes.

Submissions (4):

GeneDx
Classification: Uncertain significance. Last evaluated: 2023-02-02. Review status: criteria provided, single submitter. Criteria: GeneDx Variant Classification Process June 2021. Collection method: clinical testing. Allele origin: germline. Affected: yes.
Comment: Not observed at significant frequency in large population cohorts (gnomAD); Has not been previously published as pathogenic or benign to our knowledge; In-silico analysis is inconclusive as to whether the variant alters gene splicing. In the absence of RNA/functional studies, the actual effect of this sequence change is unknown.

Labcorp Genetics (formerly Invitae), Labcorp
Classification: Uncertain significance for Cutis laxa, autosomal recessive, type 1B. Last evaluated: 2022-06-24. Review status: criteria provided, single submitter. Criteria: Invitae Variant Classification Sherloc (09022015). Collection method: clinical testing. Allele origin: germline.
Comment: This sequence change falls in intron 3 of the EFEMP2 gene. It does not directly change the encoded amino acid sequence of the EFEMP2 protein. This variant is present in population databases (rs773745810, gnomAD 0.009%). This variant has not been reported in the literature in individuals affected with EFEMP2-related conditions. ClinVar contains an entry for this variant (Variation ID: 305383). Algorithms developed to predict the effect of sequence changes on RNA splicing suggest that this variant may disrupt the consensus splice site. In summary, the available evidence is currently insufficient to determine the role of this variant in disease. Therefore, it has been classified as a Variant of Uncertain Significance.

Ambry Genetics
Classification: Uncertain significance for Cardiovascular phenotype. Last evaluated: 2021-11-09. Review status: criteria provided, single submitter. Criteria: Ambry Variant Classification Scheme 2023. Collection method: clinical testing. Allele origin: germline.
Comment: The c.161-6C>G intronic alteration consists of a C to G substitution 6 nucleotides before exon 4 (coding 3) of the EFEMP2 gene. Based on insufficient or conflicting evidence, the clinical significance of this alteration remains unclear.

Illumina Laboratory Services, Illumina
Classification: Uncertain significance for Cutis laxa, autosomal recessive, type 1B. Last evaluated: 2018-01-13. Review status: criteria provided, single submitter. Criteria: ICSL Variant Classification Criteria 13 December 2019. Collection method: clinical testing. Allele origin: germline.

NM_016938.5(EFEMP2):c.161-6C>G

Gene: EFEMP2 (EGF-like fibulin extracellular matrix protein 2; minus strand). Cytogenetic location: 11q13.1.
Variant type: single nucleotide variant.
Coding change: c.161-6C>G on transcript NM_016938.5 (MANE Select); 6 bases into the intron before coding-DNA position 161, C replaced by G.
Molecular consequence: intron variant.
Genome position (GRCh38, 1-based): chr11:65,871,369, G>C on the plus strand (C>G on the coding strand, the complement: EFEMP2 is on the minus strand). VCF-style: chr11-65871369-G-C. GRCh37 (hg19) VCF-style: chr11-65638840-G-C.
Identifiers: ClinVar variation 305383 (VCV000305383.12), dbSNP rs773745810, ClinGen allele CA6110749.